The following is an entry in ClinVar:

NM_001111125.3(IQSEC2):c.108G>A (p.Leu36=)

Gene: IQSEC2 (IQ motif and Sec7 domain ArfGEF 2; minus strand). Cytogenetic location: Xp11.22.
Variant type: single nucleotide variant.
Coding change: c.108G>A on transcript NM_001111125.3 (MANE Select); coding-DNA position 108, G replaced by A.
Protein change: p.Leu36=; no amino-acid change (leucine 36 retained).
Molecular consequence: synonymous variant.
Genome position (GRCh38, 1-based): chrX:53,321,016, C>T on the plus strand (G>A on the coding strand, the complement: IQSEC2 is on the minus strand). VCF-style: chrX-53321016-C-T. GRCh37 (hg19) VCF-style: chrX-53350214-C-T.
Identifiers: ClinVar variation 799815 (VCV000799815.35), dbSNP rs1602383725, ClinGen allele CA516688282.

ClinVar aggregate classification (germline): Likely benign. Review status: criteria provided, multiple submitters, no conflicts (2 of 4 stars). 2 submissions from 2 submitters: Likely benign (2). Last evaluated 2023-04-01.

Conditions:
Intellectual developmental disorder, X-linked 1. Also called: Atkin Flaitz Patil Smith syndrome; MENTAL RETARDATION, X-LINKED 18; MENTAL RETARDATION, X-LINKED 78; Intellectual disability, X-linked 1. Identifiers: Orphanet 777, MedGen C2931498, MONDO:0010656, OMIM 309530.

Allele frequency attached by ClinVar (database versions not stated): gnomAD exomes 0.00001.
gnomAD v4.1: 5 of 1,157,548 alleles (0.00043%); highest among the groups gnomAD compares: Non-Finnish European, 0.00057%; no homozygotes.

Submissions (2):

CeGaT Center for Human Genetics Tuebingen
Classification: Likely benign. Last evaluated: 2023-04-01. Review status: criteria provided, single submitter. Criteria: CeGaT Center For Human Genetics Tuebingen Variant Classification Criteria Version 2. Collection method: clinical testing. Allele origin: germline. Affected: yes. Observed: 1 variant allele.
Comment: IQSEC2: PM2:Supporting, BP4, BP7

Labcorp Genetics (formerly Invitae), Labcorp
Classification: Likely benign for Intellectual developmental disorder, X-linked 1. Last evaluated: 2022-07-11. Review status: criteria provided, single submitter. Criteria: Invitae Variant Classification Sherloc (09022015). Collection method: clinical testing. Allele origin: germline.